The following is an entry in ClinVar:

ClinVar aggregate classification (germline): Uncertain significance (1 of 4 stars; one submission).

Conditions:
Hereditary sensory and autonomic neuropathy type 6. Also called: HSAN VI; Neuropathy, hereditary sensory and autonomic, type VI. Identifiers: Orphanet 314381, MedGen C3539003, MONDO:0013839, OMIM 614653.
Epidermolysis bullosa simplex 3, localized or generalized intermediate, with BP230 deficiency (EBS3). Also called: Epidermolysis bullosa simplex, autosomal recessive 2; Epidermolysis bullosa simplex due to BP230 deficiency. Identifiers: Orphanet 412181, MedGen C3809470, MONDO:0014180, OMIM 615425.

Allele frequency attached by ClinVar (database versions not stated): gnomAD exomes below 0.00001 and 0.00001; TOPMed 0.00001.
gnomAD v4.1: 12 of 1,613,302 alleles (0.00074%); highest among the groups gnomAD compares: Non-Finnish European, 0.001%; no homozygotes.

Submission:

Labcorp Genetics (formerly Invitae), Labcorp
Classification: Uncertain significance for Epidermolysis bullosa simplex 3, localized or generalized intermediate, with BP230 deficiency; Hereditary sensory and autonomic neuropathy type 6. Last evaluated: 2022-08-31. Review status: criteria provided, single submitter. Criteria: Invitae Variant Classification Sherloc (09022015). Collection method: clinical testing. Allele origin: germline.
Comment: This sequence change replaces tyrosine, which is neutral and polar, with cysteine, which is neutral and slightly polar, at codon 742 of the DST protein (p.Tyr742Cys). In summary, the available evidence is currently insufficient to determine the role of this variant in disease. Therefore, it has been classified as a Variant of Uncertain Significance. Algorithms developed to predict the effect of missense changes on protein structure and function (SIFT, PolyPhen-2, Align-GVGD) all suggest that this variant is likely to be disruptive. ClinVar contains an entry for this variant (Variation ID: 642338). This variant has not been reported in the literature in individuals affected with DST-related conditions. This variant is present in population databases (no rsID available, gnomAD 0.0009%).

NM_001374736.1(DST):c.3836A>G (p.Tyr1279Cys)

Gene: DST (dystonin; minus strand). Cytogenetic location: 6p12.1.
Variant type: single nucleotide variant.
Coding change: c.3836A>G on transcript NM_001374736.1 (MANE Select); coding-DNA position 3836, A replaced by G.
Protein change: p.Tyr1279Cys; replaces tyrosine 1279 with cysteine.
Molecular consequence: missense variant.
Genome position (GRCh38, 1-based): chr6:56,632,010, T>C on the plus strand (A>G on the coding strand, the complement: DST is on the minus strand). VCF-style: chr6-56632010-T-C. GRCh37 (hg19) VCF-style: chr6-56496808-T-C.
Other names: c.3737A>G, p.Tyr1246Cys (NM_001144769.5); c.3323A>G, p.Tyr1108Cys (NM_001144770.2); c.3836A>G, p.Tyr1279Cys (NM_001374722.1); c.3203A>G, p.Tyr1068Cys (NM_001374729.1, NM_001374730.1, NM_001386100.1 and 1 more transcripts); c.3863A>G, p.Tyr1288Cys (NM_001374734.1); c.2225A>G, p.Tyr742Cys (NM_001723.7, NM_015548.5); short protein forms Y1246C, Y742C, Y1068C, Y1108C, Y1279C, Y1288C.
Identifiers: ClinVar variation 642338 (VCV000642338.9), dbSNP rs1368186985, ClinGen allele CA364575010.